The following is an entry in ClinVar:

ClinVar aggregate classification (germline): other (0 of 4 stars; one submission).

Conditions:
Familial colorectal cancer. Identifiers: MedGen CN280943, MONDO:0023113. Disease mechanism: loss of function.

Allele frequency attached by ClinVar (database versions not stated): TOPMed 0.40370; 1000 Genomes Project 30x 0.43036; 1000 Genomes Project 0.43650; gnomAD 0.38701 and 0.39999.
gnomAD v4.1: 60,982 of 151,992 alleles (40%); highest among the groups gnomAD compares: East Asian, 67%; 14,744 homozygotes.

Submission:

Systems Biology Platform Zhejiang California International NanoSystems Institute
Classification: other for Familial colorectal cancer. Review status: no assertion criteria provided. Collection method: not provided. Allele origin: unknown.
ClinVar note: Converted during submission from cancer to other.

NM_000038.6(APC):c.-19+1100C>G

Gene: APC (APC regulator of WNT signaling pathway; plus strand). Cytogenetic location: 5q22.2.
Variant type: single nucleotide variant.
Coding change: c.-19+1100C>G on transcript NM_000038.6 (MANE Select); 1100 bases into the intron after 19 bases upstream of the start codon, C replaced by G.
Molecular consequence: intron variant.
Genome position (GRCh38, 1-based): chr5:112,739,025, C>G. VCF-style: chr5-112739025-C-G. GRCh37 (hg19) VCF-style: chr5-112074722-C-G.
Other names: c.-18-15848C>G (NM_001354895.2); c.166-27301C>G (NM_001354897.2, NM_001354902.2, NM_001127511.3); c.-19+565C>G (NM_001127510.3); c.60+565C>G (NM_001354898.2, NM_001354904.2); c.-1054+1100C>G (NM_001354906.2); c.-19+1100C>G (NM_001354896.2, NM_001354903.2, NM_001354899.2); c.-43+1100C>G (NM_001354900.2, NM_001354901.2, NM_001354905.2).
Identifiers: ClinVar variation 82748 (VCV000082748.2), dbSNP rs1974786, ClinGen allele CA006312.